The following is an entry in ClinVar:

NM_000051.4(ATM):c.4792C>A (p.Leu1598Ile)

Gene: ATM (ATM serine/threonine kinase; plus strand). Cytogenetic location: 11q22.3.
Variant type: single nucleotide variant.
Coding change: c.4792C>A on transcript NM_000051.4 (MANE Select); coding-DNA position 4792, C replaced by A.
Protein change: p.Leu1598Ile; replaces leucine 1598 with isoleucine.
Molecular consequence: missense variant.
Genome position (GRCh38, 1-based): chr11:108,294,942, C>A. VCF-style: chr11-108294942-C-A. GRCh37 (hg19) VCF-style: chr11-108165669-C-A.
Other names: p.L1598I:CTC>ATC; c.4792C>A, p.Leu1598Ile (NM_001351834.2); short protein forms L1598I.
Identifiers: ClinVar variation 181962 (VCV000181962.45), dbSNP rs375190373, ClinGen allele CA298260.

ClinVar aggregate classification (germline): Uncertain significance. Review status: criteria provided, multiple submitters, no conflicts (2 of 4 stars). 15 submissions from 15 submitters: Uncertain significance (14). 1 of the submissions does not count toward it. Last evaluated 2026-03-29.

Conditions:
ATM-related disorder. Also called: ATM-related disorders; ATM-related condition.
Hereditary cancer-predisposing syndrome. Also called: Neoplastic Syndromes, Hereditary; Tumor predisposition; Hereditary neoplastic syndrome; Hereditary Cancer Syndrome. Identifiers: Orphanet 140162, MedGen C0027672, MeSH D009386, MONDO:0015356.
Familial cancer of breast. Also called: Hereditary breast cancer; BREAST CANCER, FAMILIAL; hereditary breast carcinoma. Identifiers: Orphanet 227535, MedGen C0346153, MONDO:0016419, OMIM 114480. Disease mechanism: loss of function.
Ataxia-telangiectasia syndrome (AT). Also called: Cerebello-oculocutaneous telangiectasia; Immunodeficiency with ataxia telangiectasia; AT, COMPLEMENTATION GROUP C; LOUIS-BAR SYNDROME; Ataxia-telangiectasia, complementation group E; ATAXIA-TELANGIECTASIA, COMPLEMENTATION GROUP A. Identifiers: Orphanet 100, MedGen C0004135, MONDO:0008840, OMIM 208900.

Allele frequency attached by ClinVar (database versions not stated): ExAC 0.00001; gnomAD exomes 0.00001; gnomAD 0.00005 and 0.00006; TOPMed 0.00006; ESP Exome Variant Server 0.00015.
gnomAD v4.1: 18 of 1,613,646 alleles (0.0011%); highest among the groups gnomAD compares: African/African-American, 0.021%; no homozygotes.

Submissions (15):

PreventionGenetics, part of Exact Sciences
Classification: Uncertain significance for ATM-related condition. Last evaluated: 2026-03-29. Review status: criteria provided, single submitter. Criteria: ACMG Guidelines, 2015. Collection method: clinical testing. Allele origin: germline.
Comment: The ATM c.4792C>A variant is predicted to result in the amino acid substitution p.Leu1598Ile. To our knowledge, this variant has not been reported in the literature. This variant is reported in 0.016% of alleles in individuals of African descent in gnomAD and is classified as uncertain in ClinVar (Variation ID: 181962). At this time, the clinical significance of this variant is uncertain due to the absence of conclusive functional and genetic evidence.

Women's Health and Genetics/Laboratory Corporation of America, LabCorp
Classification: Uncertain significance. Last evaluated: 2026-02-23. Review status: criteria provided, single submitter. Criteria: LabCorp Variant Classification Summary - May 2015. Collection method: clinical testing. Allele origin: germline.
Comment: Variant summary: ATM c.4792C>A (p.Leu1598Ile) results in a conservative amino acid change in the encoded protein sequence. Algorithms developed to predict the effect of missense changes on protein structure and function are either unavailable or do not agree on the potential impact of this missense change. The variant allele was found at a frequency of 8e-06 in 251238 control chromosomes. The available data on variant occurrences in the general population are insufficient to allow any conclusion about variant significance. To our knowledge, no occurrence of c.4792C>A in individuals affected with ATM-related conditions and no experimental evidence demonstrating its impact on protein function have been reported. ClinVar contains an entry for this variant (Variation ID: 181962). Based on the evidence outlined above, the variant was classified as uncertain significance.

Labcorp Genetics (formerly Invitae), Labcorp
Classification: Uncertain significance for Ataxia-telangiectasia syndrome. Last evaluated: 2026-01-28. Review status: criteria provided, single submitter. Criteria: Invitae Variant Classification Sherloc (09022015). Collection method: clinical testing. Allele origin: germline.
Comment: This sequence change replaces leucine, which is neutral and non-polar, with isoleucine, which is neutral and non-polar, at codon 1598 of the ATM protein (p.Leu1598Ile). This variant is present in population databases (rs375190373, gnomAD 0.02%). This variant has not been reported in the literature in individuals affected with ATM-related conditions. ClinVar contains an entry for this variant (Variation ID: 181962). Invitae Evidence Modeling of protein sequence and biophysical properties (such as structural, functional, and spatial information, amino acid conservation, physicochemical variation, residue mobility, and thermodynamic stability) indicates that this missense variant is not expected to disrupt ATM protein function with a negative predictive value of 95%. In summary, the available evidence is currently insufficient to determine the role of this variant in disease. Therefore, it has been classified as a Variant of Uncertain Significance.

Ambry Genetics
Classification: Uncertain significance for Hereditary cancer-predisposing syndrome. Last evaluated: 2025-07-31. Review status: criteria provided, single submitter. Criteria: Ambry Variant Classification Scheme 2023. Collection method: clinical testing. Allele origin: germline.
Comment: The p.L1598I variant (also known as c.4792C>A), located in coding exon 31 of the ATM gene, results from a C to A substitution at nucleotide position 4792. The leucine at codon 1598 is replaced by isoleucine, an amino acid with highly similar properties. This amino acid position is highly conserved in available vertebrate species. In addition, this alteration is predicted to be deleterious by in silico analysis. Based on the available evidence, the clinical significance of this variant remains unclear.

KCCC/NGS Laboratory, Kuwait Cancer Control Center
Classification: Uncertain significance for Familial cancer of breast. Last evaluated: 2025-07-08. Review status: criteria provided, single submitter. Criteria: ACMG Guidelines, 2015. Collection method: clinical testing. Allele origin: germline. Inheritance: Autosomal dominant inheritance. Affected: yes. Observed: 1 heterozygote.
Comment: This sequence change replaces leucine, which is neutral and non-polar, with isoleucine, which is neutral and non-polar, at codon 1598 of the ATM protein (p.Leu1598Ile). This variant is present in population databases (rs375190373, gnomAD 0.02%). This variant has not been reported in the literature in individuals affected with ATM-related conditions. ClinVar contains an entry for this variant (Variation ID: 181962). Computational prediction suggests that this variant may not impact protein structure and function . In summary, the available evidence is currently insufficient to determine the role of this variant in disease. Therefore, it has been classified as a Variant of Uncertain Significance.

Color Diagnostics, LLC DBA Color Health
Classification: Uncertain significance for Hereditary cancer-predisposing syndrome. Last evaluated: 2024-03-06. Review status: criteria provided, single submitter. Criteria: ACMG Guidelines, 2015. Collection method: clinical testing. Allele origin: germline.
Comment: This missense variant replaces leucine with isoleucine at codon 1598 of the ATM protein. Computational prediction suggests that this variant may not impact protein structure and function (internally defined REVEL score threshold <= 0.5, PMID: 27666373). To our knowledge, functional studies have not been reported for this variant. This variant has not been reported in individuals affected with ATM-related disorders in the literature. This variant has been identified in 4/282630 chromosomes in the general population by the Genome Aggregation Database (gnomAD). The available evidence is insufficient to determine the role of this variant in disease conclusively. Therefore, this variant is classified as a Variant of Uncertain Significance.

Baylor Genetics
Classification: Uncertain significance for Familial cancer of breast. Last evaluated: 2024-02-19. Review status: criteria provided, single submitter. Criteria: ACMG Guidelines, 2015. Collection method: clinical testing. Allele origin: unknown.

GeneDx
Classification: Uncertain significance. Last evaluated: 2024-02-16. Review status: criteria provided, single submitter. Criteria: GeneDx Variant Classification Process June 2021. Collection method: clinical testing. Allele origin: germline. Affected: yes.
Comment: Has not been previously published as pathogenic or benign to our knowledge; In silico analysis supports that this missense variant does not alter protein structure/function

Fulgent Genetics
Classification: Uncertain significance for Familial cancer of breast; Ataxia-telangiectasia syndrome. Last evaluated: 2022-05-24. Review status: criteria provided, single submitter. Criteria: ACMG Guidelines, 2015. Collection method: clinical testing. Allele origin: unknown.

Revvity Omics, Revvity
Classification: Uncertain significance for Ataxia-telangiectasia syndrome. Last evaluated: 2022-03-29. Review status: criteria provided, single submitter. Criteria: ACMG Guidelines, 2015. Collection method: clinical testing. Allele origin: germline.

St. Jude Molecular Pathology, St. Jude Children's Research Hospital
Classification: Uncertain significance for Ataxia-telangiectasia syndrome. Last evaluated: 2022-03-22. Review status: criteria provided, single submitter. Criteria: St. Jude Assertion Criteria 2020. Collection method: clinical testing. Allele origin: germline.
Comment: The ATM c.4792C>A (p.Leu1598Ile) missense change has a maximum subpopulation frequency of 0.016% in gnomAD v2.1.1. In silico tools are not in agreement about the effect of this variant on protein function, but to our knowledge these predictions have not been confirmed by functional assays. To our knowledge, this variant has not been reported in individuals with ataxia telangiectasia or hereditary breast cancer. In summary, this variant meets criteria to be classified as of uncertain significance based on the ACMG/AMP criteria: no criteria met.

Sema4
Classification: Uncertain significance for Hereditary cancer-predisposing syndrome. Last evaluated: 2021-09-13. Review status: criteria provided, single submitter. Criteria: Sema4 Curation Guidelines. Collection method: curation. Allele origin: germline.
Comment: The ATM c.4792C>A (p.L1598I) variant has not been reported in the literature to our knowledge. It was observed in 4/24964 chromosomes of the African/African American subpopulation in the large and broad cohorts of the Genome Aggregation Database (PMID: 32461654). The variant has been reported in ClinVar (Variation ID 181962). In silico tools suggest the impact of the variant on protein function is benign, though these predictions have not been confirmed by functional studies. The evidence is insufficient to meet ACMG/AMP criteria for classifying the variant as benign or pathogenic. Thus, the clinical significance of this variant is currently uncertain.

Mayo Clinic Laboratories, Mayo Clinic
Classification: Uncertain significance. Last evaluated: 2021-02-08. Review status: criteria provided, single submitter. Criteria: ACMG Guidelines, 2015. Collection method: clinical testing. Allele origin: germline. Observed: 1 variant allele.

Athena Diagnostics
Classification: Uncertain significance. Last evaluated: 2019-09-24. Review status: criteria provided, single submitter. Criteria: Athena Diagnostics Criteria. Collection method: clinical testing. Allele origin: unknown.

Natera, Inc.
Classification: Uncertain significance for Ataxia-telangiectasia. Last evaluated: 2020-09-16. Review status: no assertion criteria provided. Collection method: clinical testing. Allele origin: germline. Not counted in ClinVar's aggregate classification.